The following is an entry in ClinVar:

NM_001330195.2(NRXN3):c.2800C>T (p.Leu934Phe)

Gene: NRXN3 (neurexin 3; plus strand). Cytogenetic location: 14q31.1.
Variant type: single nucleotide variant.
Coding change: c.2800C>T on transcript NM_001330195.2 (MANE Select); coding-DNA position 2800, C replaced by T.
Protein change: p.Leu934Phe; replaces leucine 934 with phenylalanine.
Molecular consequence: missense variant. On other transcripts: non-coding transcript variant (4).
Genome position (GRCh38, 1-based): chr14:78,967,230, C>T. VCF-style: chr14-78967230-C-T. GRCh37 (hg19) VCF-style: chr14-79433573-C-T.
Other names: c.2800C>T, p.Leu934Phe (NM_001366425.1); c.2812C>T, p.Leu938Phe (NM_001366426.1); c.1681C>T, p.Leu561Phe (NM_004796.6); short protein forms L561F, L934F, L938F.
Identifiers: ClinVar variation 3347707 (VCV003347707.1).

ClinVar aggregate classification (germline): Uncertain significance (0 of 4 stars; one submission).

Conditions:
NRXN3-related disorder. Also called: NRXN3-related condition.

Submission:

PreventionGenetics, part of Exact Sciences
Classification: Uncertain significance for NRXN3-related condition. Last evaluated: 2024-07-16. Review status: no assertion criteria provided. Collection method: clinical testing. Allele origin: germline.
Comment: The NRXN3 c.1681C>T variant is predicted to result in the amino acid substitution p.Leu561Phe. To our knowledge, this variant has not been reported in the literature or in a large population database, indicating this variant is rare. At this time, the clinical significance of this variant is uncertain due to the absence of conclusive functional and genetic evidence.